The following is an entry in ClinVar:

NM_004586.3(RPS6KA3):c.1672C>T (p.Arg558Ter)

Gene: RPS6KA3 (ribosomal protein S6 kinase A3; minus strand). Cytogenetic location: Xp22.12.
Variant type: single nucleotide variant.
Coding change: c.1672C>T on transcript NM_004586.3 (MANE Select); coding-DNA position 1672, C replaced by T.
Protein change: p.Arg558Ter; replaces arginine 558 with a stop codon.
Molecular consequence: nonsense.
Genome position (GRCh38, 1-based): chrX:20,164,991, G>A on the plus strand (C>T on the coding strand, the complement: RPS6KA3 is on the minus strand). VCF-style: chrX-20164991-G-A. GRCh37 (hg19) VCF-style: chrX-20183109-G-A.
Other names: short protein forms R558*.
Identifiers: ClinVar variation 2291663 (VCV002291663.2), dbSNP rs2519625088, ClinGen allele CA412514201.

ClinVar aggregate classification (germline): Pathogenic (1 of 4 stars; one submission).

Conditions:
Inborn genetic diseases. Identifiers: MedGen C0950123, MeSH D030342.

Submission:

Ambry Genetics
Classification: Pathogenic for Inborn genetic diseases. Last evaluated: 2022-06-22. Review status: criteria provided, single submitter. Criteria: Ambry Variant Classification Scheme 2023. Collection method: clinical testing. Allele origin: germline.
Comment: The c.1672C>T (p.R558*) alteration, located in exon 18 (coding exon 18) of the RPS6KA3 gene, consists of a C to T substitution at nucleotide position 1672. This changes the amino acid from a arginine (R) to a stop codon at amino acid position 558. This alteration is expected to result in loss of function by premature protein truncation or nonsense-mediated mRNA decay. This variant was not reported in population-based cohorts in the Genome Aggregation Database (gnomAD). This alteration has been reported in multiple unrelated male patients with features consistent with Coffin-Lowry syndrome(Trivier, 1996; Jacquot, 1998; Delaunoy, 2001). Based on the available evidence, this alteration is classified as pathogenic.

Literature cited by the submitters: PubMed 8955270; PubMed 9837815; PubMed 11180593.